The following is an entry in ClinVar:

NM_000170.3(GLDC):c.747del (p.Cys250fs)

Gene: GLDC (glycine decarboxylase; minus strand). Cytogenetic location: 9p24.1.
Variant type: Deletion.
Coding change: c.747del on transcript NM_000170.3 (MANE Select); coding-DNA position 747, one base deleted (C; older notation c.747delC).
Protein change: p.Cys250fs; shifts the reading frame from cysteine 250.
Molecular consequence: frameshift variant.
Genome position (GRCh38, 1-based): chr9:6,605,245, G deleted on the plus strand (C on the coding strand, the reverse complement: GLDC is on the minus strand); the first of 3 consecutive G bases (chr9:6,605,245-6,605,247); deleting any one gives the same sequence. VCF-style (leftmost placement, unchanged base first): chr9-6605244-AG-A. GRCh37 (hg19) VCF-style: chr9-6605244-AG-A.
Other names: c.745delC, p.Cys250Valfs (NM_000170.2); short protein forms C250fs.
Identifiers: ClinVar variation 4068688 (VCV004068688.2).

ClinVar aggregate classification (germline): Pathogenic (1 of 4 stars; one submission).

Conditions:
Glycine encephalopathy. Also called: Nonketotic hyperglycinemia; Non-ketotic hyperglycinemia. Identifiers: Orphanet 407, MedGen C0751748, MONDO:0011612, HP:0008288.

Submission:

Natera, Inc.
Classification: Pathogenic for Non-ketotic hyperglycinemia. Last evaluated: 2025-03-09. Review status: criteria provided, single submitter. Criteria: Natera Variant Classification Schema (03/2026). Collection method: clinical testing. Allele origin: germline.
Comment: The c.747del variant in GLDC is a frameshift variant predicted to shift the reading frame beginning at codon 250 and leads to a stop codon 48 codons downstream. This variant is expected to result in nonsense mediated decay, truncation, or a dysfunctional protein product. This variant is rare in the general population with a frequency below the threshold expected for the associated phenotype(s). This variant has been observed in one or more individuals affected with the associated recessive disease, as either homozygous or compound heterozygous with a second variant (PMID: 27362913, 35357708). Given the available evidence, this variant is classified as Pathogenic.

Literature cited by the submitters: PubMed 27362913; PubMed 35357708.